The following is an entry in ClinVar:

NM_032776.3(JMJD1C):c.3487A>C (p.Ile1163Leu)

Gene: JMJD1C (jumonji domain containing 1C; minus strand). Cytogenetic location: 10q21.3.
Variant type: single nucleotide variant.
Coding change: c.3487A>C on transcript NM_032776.3 (MANE Select); coding-DNA position 3487, A replaced by C.
Protein change: p.Ile1163Leu; replaces isoleucine 1163 with leucine.
Molecular consequence: missense variant. On other transcripts: non-coding transcript variant (1).
Genome position (GRCh38, 1-based): chr10:63,208,182, T>G on the plus strand (A>C on the coding strand, the complement: JMJD1C is on the minus strand). VCF-style: chr10-63208182-T-G. GRCh37 (hg19) VCF-style: chr10-64967942-T-G.
Other names: c.2941A>C, p.Ile981Leu (NM_001282948.2, NM_001318154.2); c.2623A>C, p.Ile875Leu (NM_001318153.2); c.3373A>C, p.Ile1125Leu (NM_001322252.2); c.2830A>C, p.Ile944Leu (NM_001322254.2, NM_001322258.2); short protein forms I1125L, I875L, I944L, I1163L, I981L.
Identifiers: ClinVar variation 2192964 (VCV002192964.5), dbSNP rs1564609292, ClinGen allele CA377041581.
Genomic context (GRCh38, chr10:63,208,182, plus strand): 5'-AATCATTTCTGAAGGTTGTTACTGAGTGAGATGCAATCTGATGTGGAAGATGTTCTGGTA[T>G]CTTGCCTACTAAACCTTCACTTTCTGGTTGGTGTTTAATCAAAGGTGGAGGCTTTGAAAG-3'
Protein context (NP_116165.1, residues 1153-1173): QPESEGLVGK[Ile1163Leu]PEHLPHQIAS

ClinVar aggregate classification (germline): Uncertain significance. Review status: criteria provided, multiple submitters, no conflicts (2 of 4 stars). 2 submissions from 2 submitters: Uncertain significance (2). Last evaluated 2022-01-17.

Conditions:
Early Myoclonic Encephalopathy. Identifiers: MedGen C0270855.

Allele frequency attached by ClinVar (database versions not stated): gnomAD exomes below 0.00001.
gnomAD v4.1: 1 of 1,613,550 alleles (0.000062%); highest among the groups gnomAD compares: Non-Finnish European, 0.000085%; no homozygotes.

Submissions (2):

Labcorp Genetics (formerly Invitae), Labcorp
Classification: Uncertain significance for Early Myoclonic Encephalopathy. Last evaluated: 2022-01-17. Review status: criteria provided, single submitter. Criteria: Invitae Variant Classification Sherloc (09022015). Collection method: clinical testing. Allele origin: germline.
Comment: In summary, the available evidence is currently insufficient to determine the role of this variant in disease. Therefore, it has been classified as a Variant of Uncertain Significance. Algorithms developed to predict the effect of missense changes on protein structure and function output the following: SIFT: "Tolerated"; PolyPhen-2: "Benign"; Align-GVGD: "Class C0". The leucine amino acid residue is found in multiple mammalian species, which suggests that this missense change does not adversely affect protein function. This variant has not been reported in the literature in individuals affected with JMJD1C-related conditions. This variant is not present in population databases (gnomAD no frequency). This sequence change replaces isoleucine, which is neutral and non-polar, with leucine, which is neutral and non-polar, at codon 1163 of the JMJD1C protein (p.Ile1163Leu).

Breakthrough Genomics
Classification: Uncertain significance. Review status: criteria provided, single submitter. Criteria: ACMG Guidelines, 2015. Collection method: not provided. Allele origin: germline. Inheritance: Unknown mechanism. Affected: yes.